The following is an entry in ClinVar:

ClinVar aggregate classification (germline): Uncertain significance (1 of 4 stars; one submission).

Conditions:
Hereditary cancer-predisposing syndrome. Also called: Neoplastic Syndromes, Hereditary; Tumor predisposition; Hereditary Cancer Syndrome; Hereditary neoplastic syndrome. Identifiers: Orphanet 140162, MedGen C0027672, MeSH D009386, MONDO:0015356.

Submission:

Color Diagnostics, LLC DBA Color Health
Classification: Uncertain significance for Hereditary cancer-predisposing syndrome. Last evaluated: 2025-03-03. Review status: criteria provided, single submitter. Criteria: ACMG Guidelines, 2015. Collection method: clinical testing. Allele origin: germline.
Comment: This missense variant replaces arginine with serine at codon 65 of the CDH1 protein. To our knowledge, functional studies have not been reported for this variant. This variant has not been reported in individuals affected with CDH1-related disorders in the literature. This variant has not been identified in the general population by the Genome Aggregation Database (gnomAD). The available evidence is insufficient to determine the role of this variant in disease conclusively. Therefore, this variant is classified as a Variant of Uncertain Significance.

NM_004360.5(CDH1):c.195G>C (p.Arg65Ser)

Gene: CDH1 (cadherin 1; plus strand). Cytogenetic location: 16q22.1.
Variant type: single nucleotide variant.
Coding change: c.195G>C on transcript NM_004360.5 (MANE Select); coding-DNA position 195, G replaced by C.
Protein change: p.Arg65Ser; replaces arginine 65 with serine.
Molecular consequence: missense variant. On other transcripts: 5 prime UTR variant (2).
Genome position (GRCh38, 1-based): chr16:68,801,701, G>C. VCF-style: chr16-68801701-G-C. GRCh37 (hg19) VCF-style: chr16-68835604-G-C.
Other names: c.195G>C, p.Arg65Ser (NM_001317184.2); c.-1421G>C (NM_001317185.2); c.-1625G>C (NM_001317186.2); short protein forms R65S.
Identifiers: ClinVar variation 3894234 (VCV003894234.1).